The following is an entry in ClinVar:

NM_003873.7(NRP1):c.1925-5T>C

Gene: NRP1 (neuropilin 1; minus strand). Cytogenetic location: 10p11.22.
Variant type: single nucleotide variant.
Coding change: c.1925-5T>C on transcript NM_003873.7 (MANE Select); 5 bases into the intron before coding-DNA position 1925, T replaced by C.
Molecular consequence: intron variant.
Genome position (GRCh38, 1-based): chr10:33,192,423, A>G on the plus strand (T>C on the coding strand, the complement: NRP1 is on the minus strand). VCF-style: chr10-33192423-A-G. GRCh37 (hg19) VCF-style: chr10-33481351-A-G.
Other names: c.1904-5T>C (NM_001244973.2, NM_001244972.2); c.1925-5T>C (NM_001330068.2).
Identifiers: ClinVar variation 3353570 (VCV003353570.1).

ClinVar aggregate classification (germline): Likely benign (0 of 4 stars; one submission).

Conditions:
NRP1-related disorder. Also called: NRP1-related condition.

gnomAD v4.1: 5 of 1,612,900 alleles (0.00031%); highest among the groups gnomAD compares: African/African-American, 0.0053%; no homozygotes.

Submission:

PreventionGenetics, part of Exact Sciences
Classification: Likely benign for NRP1-related condition. Last evaluated: 2022-11-04. Review status: no assertion criteria provided. Collection method: clinical testing. Allele origin: germline.
Comment: This variant is classified as likely benign based on ACMG/AMP sequence variant interpretation guidelines (Richards et al. 2015 PMID: 25741868, with internal and published modifications).